The following is an entry in ClinVar:

NM_001130082.3(PLXNB1):c.1686G>A (p.Leu562=)

Gene: PLXNB1 (plexin B1; minus strand). Cytogenetic location: 3p21.31.
Variant type: single nucleotide variant.
Coding change: c.1686G>A on transcript NM_001130082.3 (MANE Select); coding-DNA position 1686, G replaced by A.
Protein change: p.Leu562=; no amino-acid change (leucine 562 retained).
Molecular consequence: synonymous variant.
Genome position (GRCh38, 1-based): chr3:48,421,352, C>T on the plus strand (G>A on the coding strand, the complement: PLXNB1 is on the minus strand). VCF-style: chr3-48421352-C-T. GRCh37 (hg19) VCF-style: chr3-48462761-C-T.
Other names: c.1686G>A, p.Leu562= (NM_002673.6).
Identifiers: ClinVar variation 3051027 (VCV003051027.2), dbSNP rs775595061, ClinGen allele CA2375036.
Genomic context (GRCh38, chr3:48,421,352, plus strand): 5'-AGTCAGCAGGGCAGGACTCTGATGTTCCCCAAAGTGGCAGGAATATGACTCCCCTGGCCA[C>T]AGGGGTGGCAGGTCTGGCACTGATAGGAAAACCTGCCAAGAGAGCCAGGGACACACTGTT-3'
Protein context (NP_001123554.1, residues 552-572): VFLSVPDLPP[Leu562=]WPGESYSCHF

ClinVar aggregate classification (germline): Likely benign (0 of 4 stars; one submission).

Conditions:
PLXNB1-related disorder. Also called: PLXNB1-related condition.

Allele frequency attached by ClinVar (database versions not stated): gnomAD 0.00003; gnomAD exomes 0.00010; ExAC 0.00019.
gnomAD v4.1: 60 of 1,561,356 alleles (0.0038%); highest among the groups gnomAD compares: Admixed American, 0.11%; no homozygotes.

Submission:

PreventionGenetics, part of Exact Sciences
Classification: Likely benign for PLXNB1-related condition. Last evaluated: 2020-02-24. Review status: no assertion criteria provided. Collection method: clinical testing. Allele origin: germline.
Comment: This variant is classified as likely benign based on ACMG/AMP sequence variant interpretation guidelines (Richards et al. 2015 PMID: 25741868, with internal and published modifications).